The following is an entry in ClinVar:

ClinVar aggregate classification (germline): Uncertain significance (1 of 4 stars; one submission).

Conditions:
Hereditary cancer-predisposing syndrome. Also called: Neoplastic Syndromes, Hereditary; Tumor predisposition; Hereditary neoplastic syndrome; Hereditary Cancer Syndrome. Identifiers: Orphanet 140162, MedGen C0027672, MeSH D009386, MONDO:0015356.

Submission:

Ambry Genetics
Classification: Uncertain significance for Hereditary cancer-predisposing syndrome. Last evaluated: 2026-07-07. Review status: criteria provided, single submitter. Criteria: Ambry Variant Classification Scheme 2023. Collection method: clinical testing. Allele origin: germline.
Comment: The p.N66I variant (also known as c.197A>T), located in coding exon 2 of the SDHB gene, results from an A to T substitution at nucleotide position 197. The asparagine at codon 66 is replaced by isoleucine, an amino acid with dissimilar properties. This amino acid position is conserved. In addition, this alteration is predicted to be deleterious by in silico analysis. Based on the available evidence, the clinical significance of this variant remains unclear.

NM_003000.3(SDHB):c.197A>T (p.Asn66Ile)

Gene: SDHB (succinate dehydrogenase complex iron sulfur subunit B; minus strand). Cytogenetic location: 1p36.13.
Variant type: single nucleotide variant.
Coding change: c.197A>T on transcript NM_003000.3 (MANE Select); coding-DNA position 197, A replaced by T.
Protein change: p.Asn66Ile; replaces asparagine 66 with isoleucine.
Molecular consequence: missense variant.
Genome position (GRCh38, 1-based): chr1:17,044,764, T>A on the plus strand (A>T on the coding strand, the complement: SDHB is on the minus strand). VCF-style: chr1-17044764-T-A. GRCh37 (hg19) VCF-style: chr1-17371259-T-A.
Other names: c.197A>T, p.Asn66Ile (NM_001407361.1); short protein forms N66I.
Identifiers: ClinVar variation 5029279 (VCV005029279.1).